The following is an entry in ClinVar:

ClinVar aggregate classification (germline): Pathogenic (1 of 4 stars; one submission).

Conditions:
CEP290-related disorder. Also called: CEP290-related condition; CEP290-related disorders. Identifiers: MedGen CN239314.

Submission:

Women's Health and Genetics/Laboratory Corporation of America, LabCorp
Classification: Pathogenic for CEP290-related disorder. Last evaluated: 2024-07-03. Review status: criteria provided, single submitter. Criteria: LabCorp Variant Classification Summary - May 2015. Collection method: clinical testing. Allele origin: germline.
Comment: Variant summary: The variant involves the deletion of exons 8-13 in the CEP290 gene. A presumed nomenclature of c.(495+1_496-1)_(1189+1_1190-1)del has been designated for the purposes of this classification. This Copy Number Variant (CNV) is expected to alter the reading frame and predicted to result in a truncation or absence of the encoded protein due to nonsense mediated decay (NMD). A large deletion corresponding to exons 8-13 in the CEP290 gene was found at a frequency of 0.00051 in 118840 control chromosomes (i.e. 61 carriers) in the gnomAD database (Structural Variants v4.1 dataset). This frequency is not higher than the estimated maximum expected for a pathogenic variant in CEP290 causing CEP290-Related Disorders, allowing no conclusion about variant significance. To our knowledge, no occurrence of c.(495+1_496-1)_(1189+1_1190-1)del in individuals affected with CEP290-Related Disorders and no experimental evidence demonstrating its impact on protein function have been reported. No submitters have cited clinical-significance assessments for this variant to ClinVar. Based on the evidence outlined above, the variant was classified as pathogenic.

NC_000012.11:g.(88514944_88519022)_(88524343_88524941)del

Gene: CEP290 (centrosomal protein 290; minus strand). Cytogenetic location: 12q21.32.
Variant type: Deletion.
Identifiers: ClinVar variation 3339142 (VCV003339142.1).